The following is an entry in ClinVar:

NM_001134407.3(GRIN2A):c.3084G>T (p.Gln1028His)

Gene: GRIN2A (glutamate ionotropic receptor NMDA type subunit 2A; minus strand). Cytogenetic location: 16p13.2.
Variant type: single nucleotide variant.
Coding change: c.3084G>T on transcript NM_001134407.3 (MANE Select); coding-DNA position 3084, G replaced by T.
Protein change: p.Gln1028His; replaces glutamine 1028 with histidine.
Molecular consequence: missense variant.
Genome position (GRCh38, 1-based): chr16:9,764,460, C>A on the plus strand (G>T on the coding strand, the complement: GRIN2A is on the minus strand). VCF-style: chr16-9764460-C-A. GRCh37 (hg19) VCF-style: chr16-9858317-C-A.
Other names: p.Q1028H:CAG>CAT; c.3084G>T, p.Gln1028His (NM_000833.5, NM_001134408.2); short protein forms Q1028H.
Identifiers: ClinVar variation 205666 (VCV000205666.3), dbSNP rs796052554, ClinGen allele CA314964.

ClinVar aggregate classification (germline): Uncertain significance. Review status: criteria provided, multiple submitters, no conflicts (2 of 4 stars). 2 submissions from 2 submitters: Uncertain significance (2). Last evaluated 2025-05-26.

Conditions:
Inborn genetic diseases. Identifiers: MedGen C0950123, MeSH D030342.

Allele frequency attached by ClinVar (database versions not stated): gnomAD 0.00001; TOPMed 0.00001.
gnomAD v4.1: 2 of 1,613,978 alleles (0.00012%); highest among the groups gnomAD compares: African/African-American, 0.0013%; no homozygotes.

Submissions (2):

Ambry Genetics
Classification: Uncertain significance for Inborn genetic diseases. Last evaluated: 2025-05-26. Review status: criteria provided, single submitter. Criteria: Ambry Variant Classification Scheme 2023. Collection method: clinical testing. Allele origin: germline.

GeneDx
Classification: Uncertain significance. Last evaluated: 2013-10-11. Review status: criteria provided, single submitter. Criteria: GeneDx Variant Classification (06012015). Collection method: clinical testing. Allele origin: germline. Affected: yes.
Comment: p.Q1028H (CAG>CAT): c.3084G>T in exon 14 of the GRIN2A gene (NM_000833.3). The Q1028H missense change has not been published as a mutation, nor has it been reported as a benign polymorphism to our knowledge. It was not observed in approximately 6,500 individuals of European and African American ancestry in the NHLBI Exome Sequencing Project, indicating it is not a common benign variant in these populations. This variant is a non-conservative amino acid substitution, which is likely to impact secondary protein structure as these residues differ in polarity, charge, size and/or other properties. This substitution occurs at a position that is conserved in mammals in the cytoplasmic domain of the GRIN2B protein. However, other missense mutations at nearby codons have not been reported and in silico analysis predicts this variant likely has a benign effect on the protein structure/function.The variant is found in INFANT-EPI panel(s).